The following is an entry in ClinVar:

NM_003361.4(UMOD):c.875C>A (p.Ser292Tyr)

Gene: UMOD (uromodulin; minus strand). Cytogenetic location: 16p12.3.
Variant type: single nucleotide variant.
Coding change: c.875C>A on transcript NM_003361.4 (MANE Select); coding-DNA position 875, C replaced by A.
Protein change: p.Ser292Tyr; replaces serine 292 with tyrosine.
Molecular consequence: missense variant. On other transcripts: non-coding transcript variant (1).
Genome position (GRCh38, 1-based): chr16:20,348,321, G>T on the plus strand (C>A on the coding strand, the complement: UMOD is on the minus strand). VCF-style: chr16-20348321-G-T. GRCh37 (hg19) VCF-style: chr16-20359643-G-T.
Other names: c.875C>A, p.Ser292Tyr (NM_001378232.1, NM_001378233.1, NM_001378234.1 and 3 more transcripts); c.974C>A, p.Ser325Tyr (NM_001278614.2); short protein forms S292Y, S325Y.
Identifiers: ClinVar variation 1315202 (VCV001315202.5), dbSNP rs147199402, ClinGen allele CA7939371.

ClinVar aggregate classification (germline): Uncertain significance. Review status: criteria provided, multiple submitters, no conflicts (2 of 4 stars). 3 submissions from 3 submitters: Uncertain significance (3). Last evaluated 2025-07-02.

Conditions:
Familial juvenile hyperuricemic nephropathy type 1 (ADTKD1). Also called: Autosomal Dominant Tubulointerstitial Kidney Disease – UMOD; Glomerulocystic kidney disease with hyperuricemia and isosthenuria; Medullary cystic kidney disease 2; UMOD-Associated Kidney Disease; Uromodulin-associated kidney disease. Identifiers: Orphanet 209886, Orphanet 34149, Orphanet 88950, MedGen C4551496, MONDO:0008073, OMIM 162000.

Allele frequency attached by ClinVar (database versions not stated): ExAC 0.00002; gnomAD exomes 0.00002 and 0.00007; gnomAD 0.00003 and 0.00004; TOPMed 0.00003; ESP Exome Variant Server 0.00008.
gnomAD v4.1: 111 of 1,614,070 alleles (0.0069%); highest among the groups gnomAD compares: Non-Finnish European, 0.0089%; no homozygotes.

Submissions (3):

Labcorp Genetics (formerly Invitae), Labcorp
Classification: Uncertain significance. Last evaluated: 2025-07-02. Review status: criteria provided, single submitter. Criteria: Invitae Variant Classification Sherloc (09022015). Collection method: clinical testing. Allele origin: germline.
Comment: This sequence change replaces serine, which is neutral and polar, with tyrosine, which is neutral and polar, at codon 292 of the UMOD protein (p.Ser292Tyr). This variant is present in population databases (rs147199402, gnomAD 0.007%). This variant has not been reported in the literature in individuals affected with UMOD-related conditions. ClinVar contains an entry for this variant (Variation ID: 1315202). Invitae Evidence Modeling of protein sequence and biophysical properties (such as structural, functional, and spatial information, amino acid conservation, physicochemical variation, residue mobility, and thermodynamic stability) indicates that this missense variant is not expected to disrupt UMOD protein function with a negative predictive value of 80%. In summary, the available evidence is currently insufficient to determine the role of this variant in disease. Therefore, it has been classified as a Variant of Uncertain Significance.

Fulgent Genetics
Classification: Uncertain significance for Familial juvenile hyperuricemic nephropathy type 1. Last evaluated: 2024-05-16. Review status: criteria provided, single submitter. Criteria: ACMG Guidelines, 2015. Collection method: clinical testing. Allele origin: germline.

GeneDx
Classification: Uncertain significance. Last evaluated: 2020-01-27. Review status: criteria provided, single submitter. Criteria: GeneDx Variant Classification Process June 2021. Collection method: clinical testing. Allele origin: germline. Affected: yes.
Comment: In silico analysis, which includes protein predictors and evolutionary conservation, supports a deleterious effect; Has not been previously published as pathogenic or benign to our knowledge